The following is an entry in ClinVar:

NM_000755.5(CRAT):c.1868G>A (p.Arg623Gln)

Gene: CRAT (carnitine O-acetyltransferase; minus strand). Cytogenetic location: 9q34.11.
Variant type: single nucleotide variant.
Coding change: c.1868G>A on transcript NM_000755.5 (MANE Select); coding-DNA position 1868, G replaced by A.
Protein change: p.Arg623Gln; replaces arginine 623 with glutamine.
Molecular consequence: missense variant.
Genome position (GRCh38, 1-based): chr9:129,095,410, C>T on the plus strand (G>A on the coding strand, the complement: CRAT is on the minus strand). VCF-style: chr9-129095410-C-T. GRCh37 (hg19) VCF-style: chr9-131857689-C-T.
Other names: c.1805G>A, p.Arg602Gln (NM_001257363.3, NM_004003.4); c.1871G>A, p.Arg624Gln (NM_001346546.2); c.1796G>A, p.Arg599Gln (NM_001346547.2); c.1733G>A, p.Arg578Gln (NM_001346548.2); c.1748G>A, p.Arg583Gln (NM_001346549.2); short protein forms R578Q, R583Q, R624Q, R599Q, R602Q, R623Q.
Identifiers: ClinVar variation 2377715 (VCV002377715.4), dbSNP rs760770816, ClinGen allele CA5275224.

ClinVar aggregate classification (germline): Uncertain significance. Review status: criteria provided, multiple submitters, no conflicts (2 of 4 stars). 2 submissions from 2 submitters: Uncertain significance (2). Last evaluated 2024-08-12.

Allele frequency attached by ClinVar (database versions not stated): gnomAD 0.00001; ExAC 0.00003; TOPMed 0.00003.

Submissions (2):

Labcorp Genetics (formerly Invitae), Labcorp
Classification: Uncertain significance. Last evaluated: 2024-08-12. Review status: criteria provided, single submitter. Criteria: Invitae Variant Classification Sherloc (09022015). Collection method: clinical testing. Allele origin: germline.
Comment: This sequence change replaces arginine, which is basic and polar, with glutamine, which is neutral and polar, at codon 623 of the CRAT protein (p.Arg623Gln). This variant is present in population databases (rs760770816, gnomAD 0.007%). This variant has not been reported in the literature in individuals affected with CRAT-related conditions. ClinVar contains an entry for this variant (Variation ID: 2377715). An algorithm developed to predict the effect of missense changes on protein structure and function outputs the following: PolyPhen-2: "Benign". The glutamine amino acid residue is found in multiple mammalian species, which suggests that this missense change does not adversely affect protein function. In summary, the available evidence is currently insufficient to determine the role of this variant in disease. Therefore, it has been classified as a Variant of Uncertain Significance.

Ambry Genetics
Classification: Uncertain significance. Last evaluated: 2022-04-25. Review status: criteria provided, single submitter. Criteria: Ambry Variant Classification Scheme 2023. Collection method: clinical testing. Allele origin: germline.